The following is an entry in ClinVar:

ClinVar aggregate classification (germline): Uncertain significance. Review status: criteria provided, multiple submitters, no conflicts (2 of 4 stars). 5 submissions from 5 submitters: Uncertain significance (5). Last evaluated 2025-10-10.

Conditions:
Mitochondrial DNA depletion syndrome 1. Also called: Mitochondrial DNA Depletion Syndrome, MNGIE Form; Mitochondrial neurogastrointestinal encephalomyopathy syndrome; Mitochondrial DNA depletion syndrome 1 (MNGIE type); POLIP SYNDROME; POLYNEUROPATHY, OPHTHALMOPLEGIA, LEUKOENCEPHALOPATHY, AND INTESTINAL PSEUDOOBSTRUCTION; Mitochondrial Neurogastrointestinal Encephalopathy Disease. Identifiers: Orphanet 298, MedGen C4551995, MONDO:0011283, OMIM 603041.
Sensory ataxic neuropathy, dysarthria, and ophthalmoparesis (SANDO). Also called: SENSORY ATAXIC NEUROPATHY WITH MITOCHONDRIAL DNA DELETIONS, AUTOSOMAL RECESSIVE; Ataxia Neuropathy Spectrum (ANS); Sensory ataxic neuropathy-dysarthria-ophthalmoparesis syndrome; Epilepsy, progressive myoclonic, type 5. Identifiers: Orphanet 70595, MedGen C1843851, MONDO:0011835, OMIM 607459.
Progressive external ophthalmoplegia with mitochondrial DNA deletions, autosomal recessive 1 (PEOB1). Also called: Progressive external ophthalmoplegia, autosomal recessive 1; Autosomal Recessive Progressive External Ophthalmoplegia (arPEO). Identifiers: Orphanet 254886, MedGen C4225153, MONDO:0009783, OMIM 258450.
Progressive external ophthalmoplegia with mitochondrial DNA deletions, autosomal dominant 1 (PEOA1). Also called: Autosomal Dominant Progressive External Ophthalmoplegia (adPEO); PROGRESSIVE EXTERNAL OPHTHALMOPLEGIA, AUTOSOMAL DOMINANT 1. Identifiers: MedGen C1834846, MONDO:0024528, OMIM 157640.
Progressive sclerosing poliodystrophy (MTDPS4A). Also called: Alpers-Huttenlocher Syndrome (AHS); ALPERS PROGRESSIVE INFANTILE POLIODYSTROPHY; Mitochondrial DNA Depletion Syndrome 4A; Mitochondrial DNA depletion syndrome 4A (Alpers type); NEURONAL DEGENERATION OF CHILDHOOD WITH LIVER DISEASE, PROGRESSIVE; Alpers Syndrome. Identifiers: Orphanet 726, MedGen C0205710, MONDO:0008758, OMIM 203700.
Mitochondrial DNA depletion syndrome 4b. Also called: Mitochondrial Neurogastrointestinal Encephalopathy Disease, POLG-Related; MNGIE, POLG-RELATED. Identifiers: Orphanet 298, MedGen C3150914, MONDO:0013350, OMIM 613662.

Allele frequency attached by ClinVar (database versions not stated): gnomAD 0.00003 and 0.00002; gnomAD exomes 0.00004; TOPMed 0.00001; ExAC 0.00003.
gnomAD v4.1: 56 of 1,613,966 alleles (0.0035%); highest among the groups gnomAD compares: East Asian, 0.0089%; no homozygotes.

Submissions (5):

Mayo Clinic Laboratories, Mayo Clinic
Classification: Uncertain significance. Last evaluated: 2025-10-10. Review status: criteria provided, single submitter. Criteria: ACMG Guidelines, 2015. Collection method: clinical testing. Allele origin: germline. Observed: 1 variant allele.
Comment: BP4_moderate

Labcorp Genetics (formerly Invitae), Labcorp
Classification: Uncertain significance for Progressive sclerosing poliodystrophy. Last evaluated: 2024-03-31. Review status: criteria provided, single submitter. Criteria: Invitae Variant Classification Sherloc (09022015). Collection method: clinical testing. Allele origin: germline.
Comment: This sequence change replaces arginine, which is basic and polar, with histidine, which is basic and polar, at codon 546 of the POLG protein (p.Arg546His). The frequency data for this variant in the population databases is considered unreliable, as metrics indicate poor data quality at this position in the gnomAD database. This variant has not been reported in the literature in individuals affected with POLG-related conditions. ClinVar contains an entry for this variant (Variation ID: 500073). Advanced modeling of protein sequence and biophysical properties (such as structural, functional, and spatial information, amino acid conservation, physicochemical variation, residue mobility, and thermodynamic stability) performed at Invitae indicates that this missense variant is not expected to disrupt POLG protein function with a negative predictive value of 95%. In summary, the available evidence is currently insufficient to determine the role of this variant in disease. Therefore, it has been classified as a Variant of Uncertain Significance.

Department of Pathology and Laboratory Medicine, Sinai Health System
Classification: Uncertain significance for Progressive external ophthalmoplegia with mitochondrial DNA deletions, autosomal dominant 1; Progressive sclerosing poliodystrophy; Progressive external ophthalmoplegia with mitochondrial DNA deletions, autosomal recessive 1; Mitochondrial DNA depletion syndrome 1; Sensory ataxic neuropathy, dysarthria, and ophthalmoparesis; Mitochondrial DNA depletion syndrome 4b. Last evaluated: 2021-08-25. Review status: criteria provided, single submitter. Criteria: ACMG Guidelines, 2015. Collection method: research. Allele origin: germline.

Athena Diagnostics
Classification: Uncertain significance. Last evaluated: 2019-11-26. Review status: criteria provided, single submitter. Criteria: Athena Diagnostics Criteria. Collection method: clinical testing. Allele origin: unknown.

Eurofins Ntd Llc (ga)
Classification: Uncertain significance. Last evaluated: 2017-01-23. Review status: criteria provided, single submitter. Criteria: EGL Classification Definitions 2015. Collection method: clinical testing. Allele origin: germline. Observed: 1 variant allele, 1 heterozygote.

NM_002693.3(POLG):c.1637G>A (p.Arg546His)

Gene: POLG (DNA polymerase gamma, catalytic subunit; minus strand). Cytogenetic location: 15q26.1.
Variant type: single nucleotide variant.
Coding change: c.1637G>A on transcript NM_002693.3 (MANE Select); coding-DNA position 1637, G replaced by A.
Protein change: p.Arg546His; replaces arginine 546 with histidine.
Molecular consequence: missense variant.
Genome position (GRCh38, 1-based): chr15:89,326,687, C>T on the plus strand (G>A on the coding strand, the complement: POLG is on the minus strand). VCF-style: chr15-89326687-C-T. GRCh37 (hg19) VCF-style: chr15-89869918-C-T.
Other names: p.Arg546His; c.1637G>A, p.Arg546His (NM_001126131.2); short protein forms R546H.
Identifiers: ClinVar variation 500073 (VCV000500073.14), dbSNP rs773418477, ClinGen allele CA7724740.
Genomic context (GRCh38, chr15:89,326,687, plus strand): 5'-AGGTGCTGGGGCCGCTTGGGCAGGAGCTCTGTGGTCCCCTTCAGCTTCTGCAAGCAGGCG[C>T]GGGCCATGACATCTTGTTGAAACTCCTCCTCCTCACTGCAGGGGCCGAGGTCTGTGAGGG-3'
Protein context (NP_002684.1, residues 536-556): EEEFQQDVMA[Arg546His]ACLQKLKGTT